The following is an entry in ClinVar:

ClinVar aggregate classification (germline): Uncertain significance (1 of 4 stars; one submission).

Conditions:
MHC class II deficiency. Also called: Bare lymphocyte syndrome 2; BLS, TYPE II. Identifiers: Orphanet 572, MedGen C5447452, MONDO:0008855.

Submission:

Labcorp Genetics (formerly Invitae), Labcorp
Classification: Uncertain significance for MHC class II deficiency. Last evaluated: 2022-04-07. Review status: criteria provided, single submitter. Criteria: Invitae Variant Classification Sherloc (09022015). Collection method: clinical testing. Allele origin: germline.
Comment: In summary, the available evidence is currently insufficient to determine the role of this variant in disease. Therefore, it has been classified as a Variant of Uncertain Significance. Experimental studies and prediction algorithms are not available or were not evaluated, and the functional significance of this variant is currently unknown. This variant has not been reported in the literature in individuals affected with RFX5-related conditions. This variant is not present in population databases (gnomAD no frequency). This variant, c.344_346del, results in the deletion of 1 amino acid(s) of the RFX5 protein (p.Asp115del), but otherwise preserves the integrity of the reading frame.

NM_001025603.2(RFX5):c.341ATG[1] (p.Asp115del)

Gene: RFX5 (regulatory factor X5; minus strand). Cytogenetic location: 1q21.3.
Variant type: Microsatellite.
Coding change: c.341ATG[1] on transcript NM_001025603.2 (MANE Select); one copy of the 3-base unit ATG starting at c.341; the reference has two copies in a row; one copy, 3 bases deleted.
Protein change: p.Asp115del; deletes aspartic acid 115.
Molecular consequence: inframe deletion. On other transcripts: intron variant (2).
Genome position (GRCh38, 1-based): chr1:151,344,735-151,344,737, CAT deleted on the plus strand (ATG on the coding strand, the reverse complement: RFX5 is on the minus strand); deleting any 3 consecutive bases within chr1:151,344,735-151,344,740 gives the same sequence; the position shown is the placement nearest the transcript's 3' end. VCF-style (leftmost placement, unchanged base first): chr1-151344734-GCAT-G. GRCh37 (hg19) VCF-style: chr1-151317210-GCAT-G.
Other names: c.341ATG[1], p.Asp115del (NM_000449.4, NM_001379412.1, NM_001379413.1 and 5 more transcripts); c.234-201_234-199del (NM_001379419.1, NM_001379420.1); short protein forms D115del.
Identifiers: ClinVar variation 1949877 (VCV001949877.5), dbSNP rs2529037132, ClinGen allele CA2573901852.
Genomic context (GRCh38, chr1:151,344,734, plus strand): 5'-AGGGGGTCCTATGCCCACCAATCCACTCATCCCACCACCCACCCCTCCACCCACCGATAG[GCAT>G]CATAAACACTTTGCTTTGGCAGACAGGTGTCAGTGTGCTCTTCCAGGTGGTTGCGGATCC-3'